The following is an entry in ClinVar:

NM_004523.4(KIF11):c.2343G>A (p.Gln781=)

Gene: KIF11 (kinesin family member 11; plus strand). Cytogenetic location: 10q23.33.
Variant type: single nucleotide variant.
Coding change: c.2343G>A on transcript NM_004523.4 (MANE Select); coding-DNA position 2343, G replaced by A.
Protein change: p.Gln781=; no amino-acid change (glutamine 781 retained).
Molecular consequence: synonymous variant.
Genome position (GRCh38, 1-based): chr10:92,645,438, G>A. VCF-style: chr10-92645438-G-A. GRCh37 (hg19) VCF-style: chr10-94405195-G-A.
Identifiers: ClinVar variation 1347011 (VCV001347011.7), dbSNP rs2135923378, ClinGen allele CA470982728.

ClinVar aggregate classification (germline): Conflicting classifications of pathogenicity. Review status: criteria provided, conflicting classifications (1 of 4 stars). 2 submissions from 2 submitters: Uncertain significance (1); Likely benign (1). Last evaluated 2023-08-04.

Submissions (2):

Labcorp Genetics (formerly Invitae), Labcorp
Classification: Uncertain significance. Last evaluated: 2023-08-04. Review status: criteria provided, single submitter. Criteria: Invitae Variant Classification Sherloc (09022015). Collection method: clinical testing. Allele origin: germline.
Comment: This variant is not present in population databases (gnomAD no frequency). This sequence change affects codon 781 of the KIF11 mRNA. It is a 'silent' change, meaning that it does not change the encoded amino acid sequence of the KIF11 protein. In summary, the available evidence is currently insufficient to determine the role of this variant in disease. Therefore, it has been classified as a Variant of Uncertain Significance. ClinVar contains an entry for this variant (Variation ID: 1347011). This variant has not been reported in the literature in individuals affected with KIF11-related conditions. Algorithms developed to predict the effect of sequence changes on RNA splicing suggest that this variant may disrupt the consensus splice site.

Blueprint Genetics
Classification: Likely benign. Last evaluated: 2023-03-06. Review status: criteria provided, single submitter. Criteria: ACMG Guidelines, 2015. Collection method: clinical testing. Allele origin: germline.